The following is an entry in ClinVar:

ClinVar aggregate classification (germline): Likely benign. Review status: criteria provided, multiple submitters, no conflicts (2 of 4 stars). 2 submissions from 2 submitters: Likely benign (2). Last evaluated 2026-09-01.

Conditions:
Inborn genetic diseases. Identifiers: MedGen C0950123, MeSH D030342.

Allele frequency attached by ClinVar (database versions not stated): 1000 Genomes Project 30x 0.00078; 1000 Genomes Project 0.00080; gnomAD 0.00140.

Submissions (2):

CeGaT Center for Human Genetics Tuebingen
Classification: Likely benign. Last evaluated: 2026-09-01. Review status: criteria provided, single submitter. Criteria: CeGaT Center For Human Genetics Tuebingen Variant Classification Criteria Version 2. Collection method: clinical testing. Allele origin: germline. Affected: yes. Observed: 4 variant alleles.
Comment: KMT2C: BP4, BS1

Ambry Genetics
Classification: Likely benign for Inborn genetic diseases. Last evaluated: 2022-02-22. Review status: criteria provided, single submitter. Criteria: Ambry Variant Classification Scheme 2023. Collection method: clinical testing. Allele origin: germline.

NM_170606.3(KMT2C):c.2532+6G>A

Gene: KMT2C (lysine methyltransferase 2C; minus strand). Cytogenetic location: 7q36.1.
Variant type: single nucleotide variant.
Coding change: c.2532+6G>A on transcript NM_170606.3 (MANE Select); 6 bases into the intron after coding-DNA position 2532, G replaced by A.
Molecular consequence: intron variant.
Genome position (GRCh38, 1-based): chr7:152,247,896, C>T on the plus strand (G>A on the coding strand, the complement: KMT2C is on the minus strand). VCF-style: chr7-152247896-C-T. GRCh37 (hg19) VCF-style: chr7-151944981-C-T.
Identifiers: ClinVar variation 2222713 (VCV002222713.24), dbSNP rs3888468, ClinGen allele CA4581169.